The following is an entry in ClinVar:

ClinVar aggregate classification (germline): Uncertain significance (1 of 4 stars; one submission).

Conditions:
Emery-Dreifuss muscular dystrophy 4, autosomal dominant (EDMD4). Also called: EMERY-DREIFUSS MUSCULAR DYSTROPHY 4 WITH VARIABLE FEATURES. Identifiers: Orphanet 261, MedGen C2751807, MONDO:0013071, OMIM 612998.
Autosomal recessive ataxia, Beauce type. Also called: SYNE1 Deficiency; Spinocerebellar ataxia, autosomal recessive 8; ATAXIA, RECESSIVE, OF BEAUCE; SYNE1-Related Autosomal Recessive Cerebellar Ataxia. Identifiers: Orphanet 88644, MedGen C1853116, MONDO:0012549, OMIM 610743.

Allele frequency attached by ClinVar (database versions not stated): gnomAD exomes 0.00001.
gnomAD v4.1: 3 of 1,613,768 alleles (0.00019%); highest among the groups gnomAD compares: Non-Finnish European, 0.00025%; no homozygotes.

Submission:

Labcorp Genetics (formerly Invitae), Labcorp
Classification: Uncertain significance for Emery-Dreifuss muscular dystrophy 4, autosomal dominant; Autosomal recessive ataxia, Beauce type. Last evaluated: 2022-08-09. Review status: criteria provided, single submitter. Criteria: Invitae Variant Classification Sherloc (09022015). Collection method: clinical testing. Allele origin: germline.
Comment: This variant has not been reported in the literature in individuals affected with SYNE1-related conditions. This variant is present in population databases (no rsID available, gnomAD 0.0009%). This sequence change replaces glutamine, which is neutral and polar, with glutamic acid, which is acidic and polar, at codon 1489 of the SYNE1 protein (p.Gln1489Glu). Algorithms developed to predict the effect of missense changes on protein structure and function are either unavailable or do not agree on the potential impact of this missense change (SIFT: "Deleterious"; PolyPhen-2: "Possibly Damaging"; Align-GVGD: "Class C0"). In summary, the available evidence is currently insufficient to determine the role of this variant in disease. Therefore, it has been classified as a Variant of Uncertain Significance.

NM_182961.4(SYNE1):c.4444C>G (p.Gln1482Glu)

Gene: SYNE1 (spectrin repeat containing nuclear envelope protein 1; minus strand). Cytogenetic location: 6q25.2.
Variant type: single nucleotide variant.
Coding change: c.4444C>G on transcript NM_182961.4 (MANE Select); coding-DNA position 4444, C replaced by G.
Protein change: p.Gln1482Glu; replaces glutamine 1482 with glutamic acid.
Molecular consequence: missense variant.
Genome position (GRCh38, 1-based): chr6:152,433,812, G>C on the plus strand (C>G on the coding strand, the complement: SYNE1 is on the minus strand). VCF-style: chr6-152433812-G-C. GRCh37 (hg19) VCF-style: chr6-152754947-G-C.
Other names: c.4465C>G, p.Gln1489Glu (NM_033071.5); short protein forms Q1489E, Q1482E.
Identifiers: ClinVar variation 1971892 (VCV001971892.5), dbSNP rs1042173584, ClinGen allele CA150221704.
Genomic context (GRCh38, chr6:152,433,812, plus strand): 5'-AAAGCTAGACATGGATTATAAATATAATGTGTGAGCAGGTCACCTTAATTTGGCTGATTT[G>C]CATGTCCATGGCAGATGACGAAGTTTCCAAGGCATTGAGTTCTTTTTCTTTCTCAGTTAT-3'
Protein context (NP_892006.3, residues 1472-1492): LETSSSAMDM[Gln1482Glu]ISQIKVTIQE